The following is an entry in ClinVar:

ClinVar aggregate classification (germline): Uncertain significance. Review status: criteria provided, single submitter (1 of 4 stars). 2 submissions from 2 submitters: Uncertain significance (1). 1 of the submissions does not count toward it. Last evaluated 2022-04-25.

Conditions:
PLOD3-related disorder. Also called: PLOD3-related condition.

Allele frequency attached by ClinVar (database versions not stated): ExAC 0.00012; gnomAD exomes 0.00012; ESP Exome Variant Server 0.00015; gnomAD 0.00017 and 0.00018.
gnomAD v4.1: 343 of 1,613,632 alleles (0.021%); highest among the groups gnomAD compares: Non-Finnish European, 0.025%; 1 homozygote.

Submissions (2):

Labcorp Genetics (formerly Invitae), Labcorp
Classification: Uncertain significance. Last evaluated: 2022-04-25. Review status: criteria provided, single submitter. Criteria: Invitae Variant Classification Sherloc (09022015). Collection method: clinical testing. Allele origin: germline.
Comment: This sequence change replaces valine, which is neutral and non-polar, with leucine, which is neutral and non-polar, at codon 328 of the PLOD3 protein (p.Val328Leu). This variant is present in population databases (rs146795873, gnomAD 0.04%). This variant has not been reported in the literature in individuals affected with PLOD3-related conditions. Algorithms developed to predict the effect of missense changes on protein structure and function output the following: SIFT: "Tolerated"; PolyPhen-2: "Benign"; Align-GVGD: "Class C0". The leucine amino acid residue is found in multiple mammalian species, which suggests that this missense change does not adversely affect protein function. In summary, the available evidence is currently insufficient to determine the role of this variant in disease. Therefore, it has been classified as a Variant of Uncertain Significance.

PreventionGenetics, part of Exact Sciences
Classification: Uncertain significance for PLOD3-related condition. Last evaluated: 2024-05-15. Review status: no assertion criteria provided. Collection method: clinical testing. Allele origin: germline. Not counted in ClinVar's aggregate classification.
Comment: The PLOD3 c.982G>C variant is predicted to result in the amino acid substitution p.Val328Leu. To our knowledge, this variant has not been reported in the literature. This variant is reported in 0.040% of alleles in individuals of European (Finnish) descent in gnomAD. At this time, the clinical significance of this variant is uncertain due to the absence of conclusive functional and genetic evidence.

NM_001084.5(PLOD3):c.982G>C (p.Val328Leu)

Gene: PLOD3 (procollagen-lysine,2-oxoglutarate 5-dioxygenase 3; minus strand). Cytogenetic location: 7q22.1.
Variant type: single nucleotide variant.
Coding change: c.982G>C on transcript NM_001084.5 (MANE Select); coding-DNA position 982, G replaced by C.
Protein change: p.Val328Leu; replaces valine 328 with leucine.
Molecular consequence: missense variant.
Genome position (GRCh38, 1-based): chr7:101,212,553, C>G on the plus strand (G>C on the coding strand, the complement: PLOD3 is on the minus strand). VCF-style: chr7-101212553-C-G. GRCh37 (hg19) VCF-style: chr7-100855834-C-G.
Other names: c.982G>C (NM_001084.4); short protein forms V328L.
Identifiers: ClinVar variation 1382036 (VCV001382036.6), dbSNP rs146795873, ClinGen allele CA4407913.